The following is an entry in ClinVar:

ClinVar aggregate classification (germline): Uncertain significance (1 of 4 stars; one submission).

Submission:

Labcorp Genetics (formerly Invitae), Labcorp
Classification: Uncertain significance. Last evaluated: 2025-03-24. Review status: criteria provided, single submitter. Criteria: Invitae Variant Classification Sherloc (09022015). Collection method: clinical testing. Allele origin: germline.
Comment: This sequence change creates a premature translational stop signal (p.Leu2189Thrfs*63) in the FN1 gene. It is expected to result in an absent or disrupted protein product. However, the current clinical and genetic evidence is not sufficient to establish whether loss-of-function variants in FN1 cause disease. This variant is not present in population databases (gnomAD no frequency). This variant has not been reported in the literature in individuals affected with FN1-related conditions. In summary, the available evidence is currently insufficient to determine the role of this variant in disease. Therefore, it has been classified as a Variant of Uncertain Significance.

NM_212482.4(FN1):c.6563_6564dup (p.Leu2189fs)

Gene: FN1 (fibronectin 1; minus strand). Cytogenetic location: 2q35.
Variant type: Duplication.
Coding change: c.6563_6564dup on transcript NM_212482.4 (MANE Select); coding-DNA positions 6563 to 6564, 2 bases duplicated (AC; older notation c.6563_6564dupAC).
Protein change: p.Leu2189fs; shifts the reading frame from leucine 2189.
Molecular consequence: frameshift variant. On other transcripts: intron variant (10).
Genome position (GRCh38, 1-based): chr2:215,372,059-215,372,060, GT duplicated on the plus strand (AC on the coding strand, the reverse complement: FN1 is on the minus strand); duplicating any 2 consecutive bases within chr2:215,372,059-215,372,061 gives the same sequence; the c. name uses the placement nearest the transcript's 3' end. VCF-style (leftmost placement, unchanged base first): chr2-215372058-G-GGT. GRCh37 (hg19) VCF-style: chr2-216236781-G-GGT.
Other names: c.6293_6294dup, p.Leu2099fs (NM_001365517.2); c.6290_6291dup, p.Leu2098fs (NM_001365518.2); c.6218_6219dup, p.Leu2074fs (NM_001365519.2); c.6215_6216dup, p.Leu2073fs (NM_001365520.2); c.5945_5946dup, p.Leu1983fs (NM_001365523.2); c.6020_6021dup, p.Leu2008fs (NM_212476.3); c.5705-45_5705-44dup (NM_212474.3); c.5897-45_5897-44dup (NM_001306132.2); and 8 more; short protein forms L2099fs, L1983fs, L2008fs, L2073fs, L2074fs, L2098fs, L2189fs.
Identifiers: ClinVar variation 4711127 (VCV004711127.1).
Genomic context (GRCh38, chr2:215,372,058, plus strand): 5'-GAGAGAGAGCTTCTTGTCCTGTAGAGGCATTTGGATTGAGTCCCGGACCGTGTGGGTACA[G>GGT]GTGATAGTCTACATCTTCCCTGGGGATGTGACCAATTTGGATTTCCTCACCTACATTCGG-3'